The following is an entry in ClinVar:

ClinVar aggregate classification (germline): Benign. Review status: criteria provided, multiple submitters, no conflicts (2 of 4 stars). 3 submissions from 3 submitters: Benign (2). 1 of the submissions does not count toward it. Last evaluated 2018-07-17.

Allele frequency attached by ClinVar (database versions not stated): gnomAD exomes 0.01837; ExAC 0.03337; gnomAD 0.03762 and 0.03880; TOPMed 0.04062; ESP Exome Variant Server 0.04075; 1000 Genomes Project 0.04313; 1000 Genomes Project 30x 0.04560.
gnomAD v4.1: 21,639 of 1,558,548 alleles (1.4%); highest among the groups gnomAD compares: African/African-American, 11%; 637 homozygotes.

Submissions (3):

GeneDx
Classification: Benign. Last evaluated: 2018-07-17. Review status: criteria provided, single submitter. Criteria: GeneDx Variant Classification Process June 2021. Collection method: clinical testing. Allele origin: germline. Affected: yes.

Breakthrough Genomics
Classification: Benign. Review status: criteria provided, single submitter. Criteria: ACMG Guidelines, 2015. Collection method: not provided. Allele origin: germline. Inheritance: Autosomal recessive inheritance. Affected: yes.

Genetic Services Laboratory, University of Chicago
Classification: Likely benign. Review status: no assertion criteria provided. Collection method: clinical testing. Allele origin: germline. Inheritance: Autosomal recessive inheritance. Not counted in ClinVar's aggregate classification.
Comment: Likely benign based on allele frequency in 1000 Genomes Project or ESP global frequency and its presence in a patient with a rare or unrelated disease phenotype. NOT Sanger confirmed

NM_001083961.2(WDR62):c.561+44C>G

Gene: WDR62 (WD repeat domain 62; plus strand). Cytogenetic location: 19q13.12.
Variant type: single nucleotide variant.
Coding change: c.561+44C>G on transcript NM_001083961.2 (MANE Select); 44 bases into the intron after coding-DNA position 561, C replaced by G.
Molecular consequence: intron variant.
Genome position (GRCh38, 1-based): chr19:36,066,471, C>G. VCF-style: chr19-36066471-C-G. GRCh37 (hg19) VCF-style: chr19-36557373-C-G.
Other names: c.561+44C>G (NM_173636.5).
Identifiers: ClinVar variation 160304 (VCV000160304.10), dbSNP rs115806759, ClinGen allele CA173944.
Genomic context (GRCh38, chr19:36,066,471, plus strand): 5'-ACGTCTGGGACTGGAAGGTAAGAGCCGACCAGCAGGCCTGTGGCAGGCAGCCAGCTGCCA[C>G]AGCATCCTATGTCTTGGGCACAGGGAGAGCTACATGAGAGGACGCAGTAAAGTGCTCACT-3'